The following is an entry in ClinVar:

NM_020779.4(WDR35):c.198T>G (p.Thr66=)

Gene: WDR35 (WD repeat domain 35; minus strand). Cytogenetic location: 2p24.1.
Variant type: single nucleotide variant.
Coding change: c.198T>G on transcript NM_020779.4 (MANE Select); coding-DNA position 198, T replaced by G.
Protein change: p.Thr66=; no amino-acid change (threonine 66 retained).
Molecular consequence: synonymous variant.
Genome position (GRCh38, 1-based): chr2:19,982,479, A>C on the plus strand (T>G on the coding strand, the complement: WDR35 is on the minus strand). VCF-style: chr2-19982479-A-C. GRCh37 (hg19) VCF-style: chr2-20182240-A-C.
Other names: c.198T>G, p.Thr66= (NM_001006657.2).
Identifiers: ClinVar variation 3038136 (VCV003038136.3), dbSNP rs1366187027, ClinGen allele CA425111343.

ClinVar aggregate classification (germline): Likely benign. Review status: criteria provided, single submitter (1 of 4 stars). 2 submissions from 2 submitters: Likely benign (1). 1 of the submissions does not count toward it. Last evaluated 2025-09-10.

Conditions:
WDR35-related disorder. Also called: WDR35-related condition; WDR35-related disorders. Identifiers: MedGen CN239419.
Cranioectodermal dysplasia 2 (CED2). Identifiers: Orphanet 1515, MedGen C3150874, MONDO:0013323, OMIM 613610.
Short-rib thoracic dysplasia 7 with or without polydactyly (SRTD7). Also called: Short rib polydactyly syndrome 5; SHORT-RIB THORACIC DYSPLASIA 7 WITH POLYDACTYLY. Identifiers: Orphanet 498497, Orphanet 93271, MedGen C3279792, MONDO:0013569, OMIM 614091.

Allele frequency attached by ClinVar (database versions not stated): TOPMed below 0.00001; gnomAD 0.00001; gnomAD exomes 0.00001.
gnomAD v4.1: 9 of 1,613,774 alleles (0.00056%); highest among the groups gnomAD compares: Non-Finnish European, 0.00068%; no homozygotes.

Submissions (2):

Labcorp Genetics (formerly Invitae), Labcorp
Classification: Likely benign for Cranioectodermal dysplasia 2; Short-rib thoracic dysplasia 7 with or without polydactyly. Last evaluated: 2025-09-10. Review status: criteria provided, single submitter. Criteria: Invitae Variant Classification Sherloc (09022015). Collection method: clinical testing. Allele origin: germline.

PreventionGenetics, part of Exact Sciences
Classification: Likely benign for WDR35-related condition. Last evaluated: 2019-03-20. Review status: no assertion criteria provided. Collection method: clinical testing. Allele origin: germline. Not counted in ClinVar's aggregate classification.
Comment: This variant is classified as likely benign based on ACMG/AMP sequence variant interpretation guidelines (Richards et al. 2015 PMID: 25741868, with internal and published modifications).